The following is an entry in ClinVar:

ClinVar aggregate classification (germline): Conflicting classifications of pathogenicity. Review status: criteria provided, conflicting classifications (1 of 4 stars). 2 submissions from 2 submitters: Uncertain significance (1); Likely benign (1). Last evaluated 2026-01-05.

Conditions:
Inborn genetic diseases. Identifiers: MedGen C0950123, MeSH D030342.

Allele frequency attached by ClinVar (database versions not stated): gnomAD exomes 0.00003; gnomAD 0.00004; TOPMed 0.00007; ExAC 0.00011.
gnomAD v4.1: 56 of 1,614,240 alleles (0.0035%); highest among the groups gnomAD compares: East Asian, 0.082%; no homozygotes.

Submissions (2):

Labcorp Genetics (formerly Invitae), Labcorp
Classification: Uncertain significance. Last evaluated: 2026-01-05. Review status: criteria provided, single submitter. Criteria: Invitae Variant Classification Sherloc (09022015). Collection method: clinical testing. Allele origin: germline.
Comment: This sequence change replaces aspartic acid, which is acidic and polar, with valine, which is neutral and non-polar, at codon 628 of the SH3PXD2B protein (p.Asp628Val). This variant is present in population databases (rs551814886, gnomAD 0.09%). This variant has not been reported in the literature in individuals affected with SH3PXD2B-related conditions. ClinVar contains an entry for this variant (Variation ID: 2516165). An algorithm developed to predict the effect of missense changes on protein structure and function (PolyPhen-2) suggests that this variant is likely to be tolerated. In summary, the available evidence is currently insufficient to determine the role of this variant in disease. Therefore, it has been classified as a Variant of Uncertain Significance.

Ambry Genetics
Classification: Likely benign for Inborn genetic diseases. Last evaluated: 2023-05-31. Review status: criteria provided, single submitter. Criteria: Ambry Variant Classification Scheme 2023. Collection method: clinical testing. Allele origin: germline.

NM_001017995.3(SH3PXD2B):c.1883A>T (p.Asp628Val)

Gene: SH3PXD2B (SH3 and PX domains 2B; minus strand). Cytogenetic location: 5q35.1.
Variant type: single nucleotide variant.
Coding change: c.1883A>T on transcript NM_001017995.3 (MANE Select); coding-DNA position 1883, A replaced by T.
Protein change: p.Asp628Val; replaces aspartic acid 628 with valine.
Molecular consequence: missense variant. On other transcripts: intron variant (1).
Genome position (GRCh38, 1-based): chr5:172,339,222, T>A on the plus strand (A>T on the coding strand, the complement: SH3PXD2B is on the minus strand). VCF-style: chr5-172339222-T-A. GRCh37 (hg19) VCF-style: chr5-171766226-T-A.
Other names: c.1188+6914A>T (NM_001308175.2); short protein forms D628V.
Identifiers: ClinVar variation 2516165 (VCV002516165.3), dbSNP rs551814886, ClinGen allele CA3561084.